The following is an entry in ClinVar:

ClinVar aggregate classification (germline): Likely benign (0 of 4 stars; one submission).

Conditions:
DNAJB11-related disorder. Also called: DNAJB11-related condition.

Allele frequency attached by ClinVar (database versions not stated): ESP Exome Variant Server 0.00038; 1000 Genomes Project 0.00040; TOPMed 0.00040; ExAC 0.00042; gnomAD 0.00045; 1000 Genomes Project 30x 0.00047; gnomAD exomes 0.00052.
gnomAD v4.1: 818 of 1,604,716 alleles (0.051%); highest among the groups gnomAD compares: Non-Finnish European, 0.059%; no homozygotes.

Submission:

PreventionGenetics, part of Exact Sciences
Classification: Likely benign for DNAJB11-related condition. Last evaluated: 2019-06-04. Review status: no assertion criteria provided. Collection method: clinical testing. Allele origin: germline.
Comment: This variant is classified as likely benign based on ACMG/AMP sequence variant interpretation guidelines (Richards et al. 2015 PMID: 25741868, with internal and published modifications).

NM_016306.6(DNAJB11):c.-6G>A

Genes: DNAJB11 (DnaJ heat shock protein family (Hsp40) member B11; plus strand), LOC129938103 (ATAC-STARR-seq lymphoblastoid silent region 14987; plus strand). Cytogenetic location: 3q27.3.
Variant type: single nucleotide variant.
Coding change: c.-6G>A on transcript NM_016306.6 (MANE Select); 6 bases upstream of the start codon, G replaced by A.
Molecular consequence: 5 prime UTR variant. On other transcripts: non-coding transcript variant (6).
Genome position (GRCh38, 1-based): chr3:186,570,892, G>A. VCF-style: chr3-186570892-G-A. GRCh37 (hg19) VCF-style: chr3-186288681-G-A.
Other names: c.-6G>A (NM_001378451.1).
Identifiers: ClinVar variation 3041513 (VCV003041513.2), dbSNP rs149168314, ClinGen allele CA2744383.